The following is an entry in ClinVar:

NM_000939.4(POMC):c.132+5G>A

Gene: POMC (proopiomelanocortin; minus strand). Cytogenetic location: 2p23.3.
Variant type: single nucleotide variant.
Coding change: c.132+5G>A on transcript NM_000939.4 (MANE Select); 5 bases into the intron after coding-DNA position 132, G replaced by A.
Molecular consequence: intron variant.
Genome position (GRCh38, 1-based): chr2:25,164,636, C>T on the plus strand (G>A on the coding strand, the complement: POMC is on the minus strand). VCF-style: chr2-25164636-C-T. GRCh37 (hg19) VCF-style: chr2-25387505-C-T.
Other names: c.132+5G>A (NM_001319205.2, NM_001035256.3, NM_001319204.2).
Identifiers: ClinVar variation 3350577 (VCV003350577.2).

ClinVar aggregate classification (germline): Likely benign (1 of 4 stars; one submission).

Conditions:
POMC-related disorder. Also called: POMC-related disorders; POMC-related condition.

gnomAD v4.1: 12 of 1,614,036 alleles (0.00074%); highest among the groups gnomAD compares: Admixed American, 0.005%; no homozygotes.

Submission:

PreventionGenetics, part of Exact Sciences
Classification: Likely benign for POMC-related condition. Last evaluated: 2025-09-13. Review status: criteria provided, single submitter. Criteria: ACMG Guidelines, 2015. Collection method: clinical testing. Allele origin: germline.
Comment: This variant is classified as likely benign based on ACMG/AMP sequence variant interpretation guidelines (Richards et al. 2015 PMID: 25741868, with internal and published modifications).